The following is an entry in ClinVar:

NM_001845.6(COL4A1):c.1000-13C>G

Gene: COL4A1 (collagen type IV alpha 1 chain; minus strand). Cytogenetic location: 13q34.
Variant type: single nucleotide variant.
Coding change: c.1000-13C>G on transcript NM_001845.6 (MANE Select); 13 bases into the intron before coding-DNA position 1000, C replaced by G.
Molecular consequence: intron variant.
Genome position (GRCh38, 1-based): chr13:110,201,535, G>C on the plus strand (C>G on the coding strand, the complement: COL4A1 is on the minus strand). VCF-style: chr13-110201535-G-C. GRCh37 (hg19) VCF-style: chr13-110853882-G-C.
Other names: c.1000-13C>G (NM_001303110.2).
Identifiers: ClinVar variation 311066 (VCV000311066.21), dbSNP rs115358624, ClinGen allele CA7048119.

ClinVar aggregate classification (germline): Benign/Likely benign. Review status: criteria provided, multiple submitters, no conflicts (2 of 4 stars). 6 submissions from 5 submitters: Benign (5); Likely benign (1). Last evaluated 2026-02-03.

Conditions:
Brain small vessel disease 1 with or without ocular anomalies (BSVD1). Also called: BRAIN SMALL VESSEL DISEASE WITH HEMORRHAGE; GOULD SYNDROME 1; PORENCEPHALY, TYPE 1, AUTOSOMAL DOMINANT; Brain small vessel disease with or without ocular anomalies. Identifiers: Orphanet 2940, Orphanet 36383, Orphanet 99810, MedGen C4755307, MONDO:0008289, OMIM 175780.
Autosomal dominant familial hematuria-retinal arteriolar tortuosity-contractures syndrome. Also called: Angiopathy, hereditary, with nephropathy, aneurysms, and muscle cramps; Hereditary Angiopathy with Nephropathy, Aneurysms, and Muscle Cramps (HANAC) Syndrome. Identifiers: Orphanet 73229, MedGen C2673195, MONDO:0012726, OMIM 611773.

Allele frequency attached by ClinVar (database versions not stated): gnomAD exomes 0.00113; ExAC 0.00346; gnomAD 0.01077 and 0.01174; 1000 Genomes Project 0.01158; ESP Exome Variant Server 0.01207; TOPMed 0.01300; 1000 Genomes Project 30x 0.01374.
gnomAD v4.1: 3,353 of 1,612,556 alleles (0.21%); highest among the groups gnomAD compares: African/African-American, 3.9%; 62 homozygotes.

Submissions (7):

Labcorp Genetics (formerly Invitae), Labcorp
Classification: Benign. Last evaluated: 2026-02-03. Review status: criteria provided, single submitter. Criteria: Invitae Variant Classification Sherloc (09022015). Collection method: clinical testing. Allele origin: germline.

GeneDx
Classification: Benign. Last evaluated: 2019-12-11. Review status: criteria provided, single submitter. Criteria: GeneDx Variant Classification Process June 2021. Collection method: clinical testing. Allele origin: germline. Affected: yes.

Illumina Laboratory Services, Illumina
Classification: Benign for Brain small vessel disease 1 with or without ocular anomalies. Last evaluated: 2018-01-13. Review status: criteria provided, single submitter. Criteria: ICSL Variant Classification Criteria 13 December 2019. Collection method: clinical testing. Allele origin: germline.
Comment: This variant was observed in the ICSL laboratory as part of a predisposition screen in an ostensibly healthy population. It had not been previously curated by ICSL or reported in the Human Gene Mutation Database (HGMD: prior to June 1st, 2018), and was therefore a candidate for classification through an automated scoring system. Utilizing variant allele frequency, disease prevalence and penetrance estimates, and inheritance mode, an automated score was calculated to assess if this variant is too frequent to cause the disease. Based on the score and internal cut-off values, a variant classified as benign is not then subjected to further curation. The score for this variant resulted in a classification of benign for this disease.

Illumina Laboratory Services, Illumina
Classification: Benign for Autosomal dominant familial hematuria-retinal arteriolar tortuosity-contractures syndrome. Last evaluated: 2018-01-13. Review status: criteria provided, single submitter. Criteria: ICSL Variant Classification Criteria 13 December 2019. Collection method: clinical testing. Allele origin: germline.
Comment: the same text as in the submission from Illumina Laboratory Services, Illumina above.

Center for Pediatric Genomic Medicine, Children's Mercy Hospital and Clinics
Classification: Benign. Last evaluated: 2017-02-27. Review status: criteria provided, single submitter. Criteria: ACMG Guidelines, 2015. Collection method: clinical testing. Allele origin: germline.

Breakthrough Genomics
Classification: Likely benign. Review status: criteria provided, single submitter. Criteria: ACMG Guidelines, 2015. Collection method: not provided. Allele origin: germline. Inheritance: Autosomal dominant inheritance. Affected: yes.

Dr. Peter K. Rogan Lab, Western University
No classification provided (evidence only). Condition: Ovarian serous cystadenocarcinoma. Review status: no classification provided. Collection method: in vitro. Allele origin: not applicable. Functional consequence: retained intron. Not counted in ClinVar's aggregate classification.